The following is an entry in ClinVar:

NM_000211.5(ITGB2):c.932T>C (p.Leu311Pro)

Gene: ITGB2 (integrin subunit beta 2; minus strand). Cytogenetic location: 21q22.3.
Variant type: single nucleotide variant.
Coding change: c.932T>C on transcript NM_000211.5 (MANE Select); coding-DNA position 932, T replaced by C.
Protein change: p.Leu311Pro; replaces leucine 311 with proline.
Molecular consequence: missense variant.
Genome position (GRCh38, 1-based): chr21:44,899,128, A>G on the plus strand (T>C on the coding strand, the complement: ITGB2 is on the minus strand). VCF-style: chr21-44899128-A-G. GRCh37 (hg19) VCF-style: chr21-46319043-A-G.
Other names: c.932T>C, p.Leu311Pro (NM_001127491.3); c.725T>C, p.Leu242Pro (NM_001303238.2); short protein forms L311P, L242P.
Identifiers: ClinVar variation 843008 (VCV000843008.10), dbSNP rs2083910472, ClinGen allele CA410473584.

ClinVar aggregate classification (germline): Uncertain significance (1 of 4 stars; one submission).

Conditions:
Leukocyte adhesion deficiency 1 (LAD1). Also called: LEUKOCYTE ADHESION DEFICIENCY, TYPE I; LAD 1; Lymphocyte function-associated antigen 1 immunodeficiency; LFA 1 immunodeficiency. Identifiers: Orphanet 2968, Orphanet 99842, MedGen C0398738, MONDO:0007293, OMIM 116920.

Submission:

Labcorp Genetics (formerly Invitae), Labcorp
Classification: Uncertain significance for Leukocyte adhesion deficiency 1. Last evaluated: 2019-12-13. Review status: criteria provided, single submitter. Criteria: Invitae Variant Classification Sherloc (09022015). Collection method: clinical testing. Allele origin: germline.
Comment: This variant has not been reported in the literature in individuals with ITGB2-related conditions. This variant is not present in population databases (ExAC no frequency). This sequence change replaces leucine with proline at codon 311 of the ITGB2 protein (p.Leu311Pro). The leucine residue is highly conserved and there is a moderate physicochemical difference between leucine and proline. Algorithms developed to predict the effect of missense changes on protein structure and function (SIFT, PolyPhen-2, Align-GVGD) all suggest that this variant is likely to be disruptive, but these predictions have not been confirmed by published functional studies and their clinical significance is uncertain. In summary, the available evidence is currently insufficient to determine the role of this variant in disease. Therefore, it has been classified as a Variant of Uncertain Significance.